The following is an entry in ClinVar:

NM_006389.5(HYOU1):c.888A>G (p.Ala296=)

Gene: HYOU1 (hypoxia up-regulated 1; minus strand). Cytogenetic location: 11q23.3.
Variant type: single nucleotide variant.
Coding change: c.888A>G on transcript NM_006389.5 (MANE Select); coding-DNA position 888, A replaced by G.
Protein change: p.Ala296=; no amino-acid change (alanine 296 retained).
Molecular consequence: synonymous variant.
Genome position (GRCh38, 1-based): chr11:119,052,736, T>C on the plus strand (A>G on the coding strand, the complement: HYOU1 is on the minus strand). VCF-style: chr11-119052736-T-C. GRCh37 (hg19) VCF-style: chr11-118923448-T-C.
Other names: c.888A>G, p.Ala296= (NM_001130991.3, NM_001411041.1).
Identifiers: ClinVar variation 2126972 (VCV002126972.4), dbSNP rs539091713, ClinGen allele CA2580083629.

ClinVar aggregate classification (germline): Uncertain significance (1 of 4 stars; one submission).

Submission:

Labcorp Genetics (formerly Invitae), Labcorp
Classification: Uncertain significance. Last evaluated: 2022-04-16. Review status: criteria provided, single submitter. Criteria: Invitae Variant Classification Sherloc (09022015). Collection method: clinical testing. Allele origin: germline.
Comment: In summary, the available evidence is currently insufficient to determine the role of this variant in disease. Therefore, it has been classified as a Variant of Uncertain Significance. This variant has not been reported in the literature in individuals affected with HYOU1-related conditions. This variant is not present in population databases (gnomAD no frequency). This sequence change affects codon 296 of the HYOU1 mRNA. It is a 'silent' change, meaning that it does not change the encoded amino acid sequence of the HYOU1 protein.